The following is an entry in ClinVar:

ClinVar aggregate classification (germline): Uncertain significance (1 of 4 stars; one submission).

Conditions:
Neurodevelopmental disorder with hypotonia, seizures, and absent language (NDHSAL). Identifiers: MedGen C4310643, MONDO:0014995, OMIM 617268.

Submission:

Victorian Clinical Genetics Services, Murdoch Childrens Research Institute
Classification: Uncertain significance for Neurodevelopmental disorder with hypotonia, seizures, and absent language. Last evaluated: 2024-11-19. Review status: criteria provided, single submitter. Criteria: ACMG Guidelines, 2015. Collection method: clinical testing. Allele origin: germline. Affected: yes.
Comment: This variant is classified as VUS-3A. Evidence in support of pathogenic classification: Variant is absent from gnomAD (v2, v3 and v4); Missense variant in a region that is highly intolerant to missense variation (high constraint region in DECIPHER); Missense variant predicted to be damaging by an in silico tool or highly conserved with a major amino acid change; Strong phenotype match for this individual. Additional information: Variant is predicted to result in a missense amino acid change from tyrosine to cysteine; This variant is heterozygous; This gene is associated with autosomal dominant disease. Autosomal recessive inheritance has been reported for putative loss of function variants, however, this association is not well established (PanelApp Australia); This variant has no previous evidence of pathogenicity; No published segregation evidence has been identified for this variant; No published functional evidence has been identified for this variant; No comparable missense variants have previous evidence for pathogenicity; The mechanism of disease for this gene is not clearly established. However, gain of function has been suggested as a mechanism of disease (PMID: 34321324); Variants in this gene are known to have variable expressivity (PMID: 34321324); Parental origin of the variant is unresolved.

Literature cited by the submitters: PubMed 34321324.

NM_001348768.2(HECW2):c.3998A>G (p.Tyr1333Cys)

Gene: HECW2 (HECT, C2 and WW domain containing E3 ubiquitin protein ligase 2; minus strand). Cytogenetic location: 2q32.3.
Variant type: single nucleotide variant.
Coding change: c.3998A>G on transcript NM_001348768.2 (MANE Select); coding-DNA position 3998, A replaced by G.
Protein change: p.Tyr1333Cys; replaces tyrosine 1333 with cysteine.
Molecular consequence: missense variant.
Genome position (GRCh38, 1-based): chr2:196,225,790, T>C on the plus strand (A>G on the coding strand, the complement: HECW2 is on the minus strand). VCF-style: chr2-196225790-T-C. GRCh37 (hg19) VCF-style: chr2-197090514-T-C.
Other names: c.2930A>G, p.Tyr977Cys (NM_001304840.3); c.3998A>G, p.Tyr1333Cys (NM_020760.4); short protein forms Y1333C, Y977C.
Identifiers: ClinVar variation 1806177 (VCV001806177.3), dbSNP rs2468608439, ClinGen allele CA349949632.